The following is an entry in ClinVar:

ClinVar aggregate classification (germline): Uncertain significance (1 of 4 stars; one submission).

Conditions:
Emery-Dreifuss muscular dystrophy 5, autosomal dominant (EDMD5). Also called: EMERY-DREIFUSS MUSCULAR DYSTROPHY 5. Identifiers: Orphanet 261, MedGen C2751805, MONDO:0013072, OMIM 612999.

Submission:

Labcorp Genetics (formerly Invitae), Labcorp
Classification: Uncertain significance for Emery-Dreifuss muscular dystrophy 5, autosomal dominant. Last evaluated: 2024-07-13. Review status: criteria provided, single submitter. Criteria: Invitae Variant Classification Sherloc (09022015). Collection method: clinical testing. Allele origin: germline.
Comment: This sequence change replaces glycine, which is neutral and non-polar, with arginine, which is basic and polar, at codon 5470 of the SYNE2 protein (p.Gly5470Arg). This variant is not present in population databases (gnomAD no frequency). This variant has not been reported in the literature in individuals affected with SYNE2-related conditions. An algorithm developed to predict the effect of missense changes on protein structure and function (PolyPhen-2) suggests that this variant is likely to be disruptive. In summary, the available evidence is currently insufficient to determine the role of this variant in disease. Therefore, it has been classified as a Variant of Uncertain Significance.

NM_182914.3(SYNE2):c.16408G>C (p.Gly5470Arg)

Gene: SYNE2 (spectrin repeat containing nuclear envelope protein 2; plus strand). Cytogenetic location: 14q23.2.
Variant type: single nucleotide variant.
Coding change: c.16408G>C on transcript NM_182914.3 (MANE Select); coding-DNA position 16408, G replaced by C.
Protein change: p.Gly5470Arg; replaces glycine 5470 with arginine.
Molecular consequence: missense variant.
Genome position (GRCh38, 1-based): chr14:64,163,510, G>C. VCF-style: chr14-64163510-G-C. GRCh37 (hg19) VCF-style: chr14-64630228-G-C.
Other names: c.16408G>C, p.Gly5470Arg (NM_015180.6); short protein forms G5470R.
Identifiers: ClinVar variation 3616331 (VCV003616331.2).